The following is an entry in ClinVar:

NM_002662.5(PLD1):c.1227+3A>G

Gene: PLD1 (phospholipase D1; minus strand). Cytogenetic location: 3q26.31.
Variant type: single nucleotide variant.
Coding change: c.1227+3A>G on transcript NM_002662.5 (MANE Select); 3 bases into the intron after coding-DNA position 1227, A replaced by G.
Molecular consequence: intron variant.
Genome position (GRCh38, 1-based): chr3:171,699,742, T>C on the plus strand (A>G on the coding strand, the complement: PLD1 is on the minus strand). VCF-style: chr3-171699742-T-C. GRCh37 (hg19) VCF-style: chr3-171417532-T-C.
Other names: c.1227+3A>G (NM_001130081.3).
Identifiers: ClinVar variation 5006586 (VCV005006586.2).

ClinVar aggregate classification (germline): Uncertain significance (1 of 4 stars; one submission).

Conditions:
Cardiac valvular defect, developmental (CVDP1). Also called: CARDIAC VALVULAR DYSPLASIA 1. Identifiers: MedGen C5774175, MONDO:0008913, OMIM 212093.

gnomAD v4.1: 4 of 1,602,702 alleles (0.00025%); highest among the groups gnomAD compares: East Asian, 0.0022%; no homozygotes.

Submission:

Juno Genomics, Hangzhou Juno Genomics, Inc
Classification: Uncertain significance for Cardiac valvular defect, developmental. Review status: criteria provided, single submitter. Criteria: ACMG Guidelines, 2015. Collection method: clinical testing. Allele origin: germline.
Comment: Absent from controls (or at extremely low frequency if recessive) in Genome Aggregation Database.;Multiple lines of computational evidence support a deleterious effect on the gene or gene product.